The following is an entry in ClinVar:

ClinVar aggregate classification (germline): Uncertain significance. Review status: criteria provided, multiple submitters, no conflicts (2 of 4 stars). 2 submissions from 2 submitters: Uncertain significance (2). Last evaluated 2025-09-16.

Conditions:
Neurofibromatosis, type 2 (SWNV). Also called: BILATERAL ACOUSTIC NEUROFIBROMATOSIS; SCHWANNOMATOSIS, VESTIBULAR; NF2-Related Schwannomatosis. Identifiers: Orphanet 637, MedGen C0027832, MONDO:0007039, OMIM 101000. Disease mechanism: loss of function.
Hereditary cancer-predisposing syndrome. Also called: Neoplastic Syndromes, Hereditary; Hereditary neoplastic syndrome; Tumor predisposition; Hereditary Cancer Syndrome. Identifiers: Orphanet 140162, MedGen C0027672, MeSH D009386, MONDO:0015356.

Submissions (2):

Ambry Genetics
Classification: Uncertain significance for Hereditary cancer-predisposing syndrome. Last evaluated: 2025-09-16. Review status: criteria provided, single submitter. Criteria: Ambry Variant Classification Scheme 2023. Collection method: clinical testing. Allele origin: germline.
Comment: The p.R446G variant (also known as c.1336A>G), located in coding exon 12 of the NF2 gene, results from an A to G substitution at nucleotide position 1336. The arginine at codon 446 is replaced by glycine, an amino acid with dissimilar properties. This amino acid position is highly conserved in available vertebrate species. In addition, the in silico prediction for this alteration is inconclusive. Based on the available evidence, the clinical significance of this variant remains unclear.

Labcorp Genetics (formerly Invitae), Labcorp
Classification: Uncertain significance for Neurofibromatosis, type 2. Last evaluated: 2019-12-05. Review status: criteria provided, single submitter. Criteria: Invitae Variant Classification Sherloc (09022015). Collection method: clinical testing. Allele origin: germline.
Comment: In summary, the available evidence is currently insufficient to determine the role of this variant in disease. Therefore, it has been classified as a Variant of Uncertain Significance. Algorithms developed to predict the effect of missense changes on protein structure and function are either unavailable or do not agree on the potential impact of this missense change (SIFT: "Tolerated"; PolyPhen-2: "Possibly Damaging"; Align-GVGD: "Class C0"). This variant has not been reported in the literature in individuals with NF2-related conditions. This variant is not present in population databases (ExAC no frequency). This sequence change replaces arginine with glycine at codon 446 of the NF2 protein (p.Arg446Gly). The arginine residue is moderately conserved and there is a moderate physicochemical difference between arginine and glycine.

NM_000268.4(NF2):c.1336A>G (p.Arg446Gly)

Gene: NF2 (NF2, moesin-ezrin-radixin like (MERLIN) tumor suppressor; plus strand). Cytogenetic location: 22q12.2.
Variant type: single nucleotide variant.
Coding change: c.1336A>G on transcript NM_000268.4 (MANE Select); coding-DNA position 1336, A replaced by G.
Protein change: p.Arg446Gly; replaces arginine 446 with glycine.
Molecular consequence: missense variant. On other transcripts: non-coding transcript variant (1), intron variant (1).
Genome position (GRCh38, 1-based): chr22:29,673,482, A>G. VCF-style: chr22-29673482-A-G. GRCh37 (hg19) VCF-style: chr22-30069471-A-G.
Other names: c.1336A>G, p.Arg446Gly (NM_016418.5, NM_181825.3, NM_181832.3); c.1210A>G, p.Arg404Gly (NM_181828.3); c.1213A>G, p.Arg405Gly (NM_181829.3); c.1087A>G, p.Arg363Gly (NM_181830.3, NM_181831.3); c.448-21270A>G (NM_181833.3); short protein forms R404G, R446G, R363G, R405G.
Identifiers: ClinVar variation 854233 (VCV000854233.11), dbSNP rs1335612753, ClinGen allele CA411148723.